The following is an entry in ClinVar:

NM_005026.5(PIK3CD):c.1156C>T (p.Arg386Cys)

Genes: PIK3CD (phosphatidylinositol-4,5-bisphosphate 3-kinase catalytic subunit delta; plus strand), LOC126805612 (MED14-independent group 3 enhancer GRCh37_chr1:9778914-9780113; plus strand). Cytogenetic location: 1p36.22.
Variant type: single nucleotide variant.
Coding change: c.1156C>T on transcript NM_005026.5 (MANE Select); coding-DNA position 1156, C replaced by T.
Protein change: p.Arg386Cys; replaces arginine 386 with cysteine.
Molecular consequence: missense variant.
Genome position (GRCh38, 1-based): chr1:9,718,829, C>T. VCF-style: chr1-9718829-C-T. GRCh37 (hg19) VCF-style: chr1-9778887-C-T.
Other names: c.1156C>T, p.Arg386Cys (NM_001350234.2, NM_001437546.1, NM_001437547.1 and 2 more transcripts); c.1069C>T, p.Arg357Cys (NM_001350235.1); short protein forms R357C, R386C.
Identifiers: ClinVar variation 4711482 (VCV004711482.1).

ClinVar aggregate classification (germline): Uncertain significance (1 of 4 stars; one submission).

Conditions:
Immunodeficiency 14 (IMD14A). Also called: p110-DELTA-ACTIVATING MUTATION CAUSING SENESCENT T CELLS, LYMPHADENOPATHY, AND IMMUNODEFICIENCY; ACTIVATED PI3K-DELTA SYNDROME 1; Activated PI3K Delta Syndrome Type 1 (APDS1); IMMUNODEFICIENCY 14A WITH LYMPHOPROLIFERATION, AUTOSOMAL DOMINANT. Identifiers: Orphanet 397596, Orphanet 693661, MedGen C5907821, MONDO:0014222, OMIM 615513.

gnomAD v4.1: 1 of 1,612,868 alleles (0.000062%); highest among the groups gnomAD compares: Non-Finnish European, 0.000085%; no homozygotes.

Submission:

Labcorp Genetics (formerly Invitae), Labcorp
Classification: Uncertain significance for Activated PI3K-delta syndrome. Last evaluated: 2026-02-03. Review status: criteria provided, single submitter. Criteria: Invitae Variant Classification Sherloc (09022015). Collection method: clinical testing. Allele origin: germline.
Comment: This sequence change replaces arginine, which is basic and polar, with cysteine, which is neutral and slightly polar, at codon 386 of the PIK3CD protein (p.Arg386Cys). This variant is not present in population databases (gnomAD no frequency). This variant has not been reported in the literature in individuals affected with PIK3CD-related conditions. Invitae Evidence Modeling of protein sequence and biophysical properties (such as structural, functional, and spatial information, amino acid conservation, physicochemical variation, residue mobility, and thermodynamic stability) indicates that this missense variant is expected to disrupt PIK3CD protein function with a positive predictive value of 80%. In summary, the available evidence is currently insufficient to determine the role of this variant in disease. Therefore, it has been classified as a Variant of Uncertain Significance.